The following is an entry in ClinVar:

ClinVar aggregate classification (germline): Uncertain significance. Review status: criteria provided, multiple submitters, no conflicts (2 of 4 stars). 2 submissions from 2 submitters: Uncertain significance (2). Last evaluated 2025-06-10.

Allele frequency attached by ClinVar (database versions not stated): gnomAD 0.00001; gnomAD exomes 0.00001; TOPMed 0.00001; ExAC 0.00002.

Submissions (2):

Labcorp Genetics (formerly Invitae), Labcorp
Classification: Uncertain significance. Last evaluated: 2025-06-10. Review status: criteria provided, single submitter. Criteria: Invitae Variant Classification Sherloc (09022015). Collection method: clinical testing. Allele origin: germline.
Comment: This sequence change falls in intron 35 of the LAMA5 gene. It does not directly change the encoded amino acid sequence of the LAMA5 protein. It affects a nucleotide within the consensus splice site. This variant is present in population databases (rs776338106, gnomAD 0.002%). This variant has not been reported in the literature in individuals affected with LAMA5-related conditions. ClinVar contains an entry for this variant (Variation ID: 2652486). Variants that disrupt the consensus splice site are a relatively common cause of aberrant splicing (PMID: 17576681, 9536098). Algorithms developed to predict the effect of sequence changes on RNA splicing suggest that this variant is not likely to affect RNA splicing. In summary, the available evidence is currently insufficient to determine the role of this variant in disease. Therefore, it has been classified as a Variant of Uncertain Significance.

CeGaT Center for Human Genetics Tuebingen
Classification: Uncertain significance. Last evaluated: 2022-08-01. Review status: criteria provided, single submitter. Criteria: CeGaT Center For Human Genetics Tuebingen Variant Classification Criteria Version 2. Collection method: clinical testing. Allele origin: germline. Affected: yes. Observed: 1 variant allele.
Comment: LAMA5: PM2, BP4

Literature cited by the submitters: PubMed 17576681 (cited by Labcorp Genetics (formerly Invitae), Labcorp); PubMed 9536098 (cited by Labcorp Genetics (formerly Invitae), Labcorp).

NM_005560.6(LAMA5):c.4652+3G>A

Gene: LAMA5 (laminin subunit alpha 5; minus strand). Cytogenetic location: 20q13.33.
Variant type: single nucleotide variant.
Coding change: c.4652+3G>A on transcript NM_005560.6 (MANE Select); 3 bases into the intron after coding-DNA position 4652, G replaced by A.
Molecular consequence: intron variant.
Genome position (GRCh38, 1-based): chr20:62,328,238, C>T on the plus strand (G>A on the coding strand, the complement: LAMA5 is on the minus strand). VCF-style: chr20-62328238-C-T. GRCh37 (hg19) VCF-style: chr20-60903294-C-T.
Identifiers: ClinVar variation 2652486 (VCV002652486.25), dbSNP rs776338106, ClinGen allele CA9942542.